The following is an entry in ClinVar:

NM_001017420.3(ESCO2):c.1264-1G>A

Gene: ESCO2 (establishment of sister chromatid cohesion N-acetyltransferase 2; plus strand). Cytogenetic location: 8p21.1.
Variant type: single nucleotide variant.
Coding change: c.1264-1G>A on transcript NM_001017420.3 (MANE Select); the canonical splice acceptor site of the intron before coding-DNA position 1264, G replaced by A.
Molecular consequence: splice acceptor variant.
Genome position (GRCh38, 1-based): chr8:27,791,962, G>A. VCF-style: chr8-27791962-G-A. GRCh37 (hg19) VCF-style: chr8-27649479-G-A.
Identifiers: ClinVar variation 2697614 (VCV002697614.3), dbSNP rs1439380661, ClinGen allele CA370824799.

ClinVar aggregate classification (germline): Likely pathogenic (1 of 4 stars; one submission).

Allele frequency attached by ClinVar (database versions not stated): gnomAD exomes below 0.00001.
gnomAD v4.1: 1 of 1,613,760 alleles (0.000062%); highest among the groups gnomAD compares: East Asian, 0.0022%; no homozygotes.

Submission:

Labcorp Genetics (formerly Invitae), Labcorp
Classification: Likely pathogenic. Last evaluated: 2023-11-20. Review status: criteria provided, single submitter. Criteria: Invitae Variant Classification Sherloc (09022015). Collection method: clinical testing. Allele origin: germline.
Comment: This sequence change affects an acceptor splice site in intron 7 of the ESCO2 gene. It is expected to disrupt RNA splicing. Variants that disrupt the donor or acceptor splice site typically lead to a loss of protein function (PMID: 16199547), and loss-of-function variants in ESCO2 are known to be pathogenic (PMID: 15821733, 16380922). This variant is present in population databases (no rsID available, gnomAD 0.006%). This variant has not been reported in the literature in individuals affected with ESCO2-related conditions. Algorithms developed to predict the effect of sequence changes on RNA splicing suggest that this variant may disrupt the consensus splice site. In summary, the currently available evidence indicates that the variant is pathogenic, but additional data are needed to prove that conclusively. Therefore, this variant has been classified as Likely Pathogenic.

Literature cited by the submitters: PubMed 16199547; PubMed 15821733; PubMed 16380922.